The following is an entry in ClinVar:

ClinVar aggregate classification (germline): Uncertain significance. Review status: criteria provided, multiple submitters, no conflicts (2 of 4 stars). 2 submissions from 2 submitters: Uncertain significance (2). Last evaluated 2025-08-04.

gnomAD v4.1: 89 of 1,612,472 alleles (0.0055%); highest among the groups gnomAD compares: Admixed American, 0.043%; no homozygotes.

Submissions (2):

Labcorp Genetics (formerly Invitae), Labcorp
Classification: Uncertain significance. Last evaluated: 2025-08-04. Review status: criteria provided, single submitter. Criteria: Invitae Variant Classification Sherloc (09022015). Collection method: clinical testing. Allele origin: germline.
Comment: This sequence change replaces aspartic acid, which is acidic and polar, with asparagine, which is neutral and polar, at codon 355 of the TOP1MT protein (p.Asp355Asn). This variant is present in population databases (rs753593796, gnomAD 0.003%). This variant has not been reported in the literature in individuals affected with TOP1MT-related conditions. ClinVar contains an entry for this variant (Variation ID: 2159659). An algorithm developed to predict the effect of missense changes on protein structure and function outputs the following: PolyPhen-2: "Benign". The asparagine amino acid residue is found in multiple mammalian species, which suggests that this missense change does not adversely affect protein function. In summary, the available evidence is currently insufficient to determine the role of this variant in disease. Therefore, it has been classified as a Variant of Uncertain Significance.

Ambry Genetics
Classification: Uncertain significance. Last evaluated: 2025-01-17. Review status: criteria provided, single submitter. Criteria: Ambry Variant Classification Scheme 2023. Collection method: clinical testing. Allele origin: germline.

NM_052963.3(TOP1MT):c.1063G>A (p.Asp355Asn)

Gene: TOP1MT (DNA topoisomerase I mitochondrial; minus strand). Cytogenetic location: 8q24.3.
Variant type: single nucleotide variant.
Coding change: c.1063G>A on transcript NM_052963.3 (MANE Select); coding-DNA position 1063, G replaced by A.
Protein change: p.Asp355Asn; replaces aspartic acid 355 with asparagine.
Molecular consequence: missense variant.
Genome position (GRCh38, 1-based): chr8:143,321,284, C>T on the plus strand (G>A on the coding strand, the complement: TOP1MT is on the minus strand). VCF-style: chr8-143321284-C-T. GRCh37 (hg19) VCF-style: chr8-144403454-C-T.
Other names: c.769G>A, p.Asp257Asn (NM_001258446.1, NM_001258447.1); c.1063G>A (NM_052963.1); short protein forms D257N, D355N.
Identifiers: ClinVar variation 2159659 (VCV002159659.6), dbSNP rs753593796, ClinGen allele CA187527749.